The following is an entry in ClinVar:

NM_000059.4(BRCA2):c.9142A>G (p.Ile3048Val)

Gene: BRCA2 (BRCA2 DNA repair associated; plus strand). Cytogenetic location: 13q13.1.
Variant type: single nucleotide variant.
Coding change: c.9142A>G on transcript NM_000059.4 (MANE Select); coding-DNA position 9142, A replaced by G.
Protein change: p.Ile3048Val; replaces isoleucine 3048 with valine.
Molecular consequence: missense variant. On other transcripts: non-coding transcript variant (1).
Genome position (GRCh38, 1-based): chr13:32,380,031, A>G. VCF-style: chr13-32380031-A-G. GRCh37 (hg19) VCF-style: chr13-32954168-A-G.
Other names: c.9142A>G, p.Ile3048Val (NM_001432077.1); c.9046A>G, p.Ile3016Val (NM_001406719.1); c.9091A>G, p.Ile3031Val (NM_001406720.1); c.4210A>G, p.Ile1404Val (NM_001406721.1); c.2725A>G, p.Ile909Val (NM_001406722.1); short protein forms I3016V, I3031V, I3048V, I909V, I1404V.
Identifiers: ClinVar variation 3636557 (VCV003636557.2).

ClinVar aggregate classification (germline): Uncertain significance (1 of 4 stars; one submission).

Conditions:
Hereditary breast ovarian cancer syndrome. Also called: Hereditary breast and ovarian cancer syndrome; Hereditary breast and ovarian cancer syndrome (HBOC); BRCA1- and BRCA2-Associated Hereditary Breast and Ovarian Cancer; Hereditary breast and ovarian cancer; Breast and ovarian cancer; Hereditary breast and/or ovarian cancer syndrome. Identifiers: Orphanet 145, MedGen C0677776, MeSH D061325, MONDO:0003582. Disease mechanism: loss of function.

Submission:

Labcorp Genetics (formerly Invitae), Labcorp
Classification: Uncertain significance for Hereditary breast ovarian cancer syndrome. Last evaluated: 2024-03-24. Review status: criteria provided, single submitter. Criteria: Invitae Variant Classification Sherloc (09022015). Collection method: clinical testing. Allele origin: germline.
Comment: This sequence change replaces isoleucine, which is neutral and non-polar, with valine, which is neutral and non-polar, at codon 3048 of the BRCA2 protein (p.Ile3048Val). This variant is not present in population databases (gnomAD no frequency). This variant has not been reported in the literature in individuals affected with BRCA2-related conditions. Advanced modeling of protein sequence and biophysical properties (such as structural, functional, and spatial information, amino acid conservation, physicochemical variation, residue mobility, and thermodynamic stability) performed at Invitae indicates that this missense variant is not expected to disrupt BRCA2 protein function with a negative predictive value of 95%. In summary, the available evidence is currently insufficient to determine the role of this variant in disease. Therefore, it has been classified as a Variant of Uncertain Significance.